The following is an entry in ClinVar:

ClinVar aggregate classification (germline): Uncertain significance (1 of 4 stars; one submission).

Submission:

Labcorp Genetics (formerly Invitae), Labcorp
Classification: Uncertain significance. Last evaluated: 2025-08-15. Review status: criteria provided, single submitter. Criteria: Invitae Variant Classification Sherloc (09022015). Collection method: clinical testing. Allele origin: germline.
Comment: This sequence change replaces threonine, which is neutral and polar, with serine, which is neutral and polar, at codon 265 of the RNF31 protein (p.Thr265Ser). This variant is not present in population databases (gnomAD no frequency). This variant has not been reported in the literature in individuals affected with RNF31-related conditions. ClinVar contains an entry for this variant (Variation ID: 1445301). An algorithm developed to predict the effect of missense changes on protein structure and function outputs the following: PolyPhen-2: "Benign". The serine amino acid residue is found in multiple mammalian species, which suggests that this missense change does not adversely affect protein function. In summary, the available evidence is currently insufficient to determine the role of this variant in disease. Therefore, it has been classified as a Variant of Uncertain Significance.

NM_017999.5(RNF31):c.793A>T (p.Thr265Ser)

Gene: RNF31 (ring finger protein 31; plus strand). Cytogenetic location: 14q12.
Variant type: single nucleotide variant.
Coding change: c.793A>T on transcript NM_017999.5 (MANE Select); coding-DNA position 793, A replaced by T.
Protein change: p.Thr265Ser; replaces threonine 265 with serine.
Molecular consequence: missense variant.
Genome position (GRCh38, 1-based): chr14:24,149,567, A>T. VCF-style: chr14-24149567-A-T. GRCh37 (hg19) VCF-style: chr14-24618776-A-T.
Other names: c.340A>T, p.Thr114Ser (NM_001310332.2); short protein forms T114S, T265S.
Identifiers: ClinVar variation 1445301 (VCV001445301.8), dbSNP rs200013554, ClinGen allele CA389291094.